The following is an entry in ClinVar:

ClinVar aggregate classification (germline): Uncertain significance. Review status: criteria provided, multiple submitters, no conflicts (2 of 4 stars). 2 submissions from 2 submitters: Uncertain significance (2). Last evaluated 2024-10-16.

Conditions:
Ataxia-telangiectasia syndrome (AT). Also called: Ataxia telangiectasia (A-T); LOUIS-BAR SYNDROME; Cerebello-oculocutaneous telangiectasia; Immunodeficiency with ataxia telangiectasia; Ataxia-telangiectasia, complementation group D; AT, COMPLEMENTATION GROUP C. Identifiers: Orphanet 100, MedGen C0004135, MONDO:0008840, OMIM 208900.

Submissions (2):

Labcorp Genetics (formerly Invitae), Labcorp
Classification: Uncertain significance for Ataxia-telangiectasia syndrome. Last evaluated: 2024-10-16. Review status: criteria provided, single submitter. Criteria: Invitae Variant Classification Sherloc (09022015). Collection method: clinical testing. Allele origin: germline.
Comment: This sequence change replaces threonine, which is neutral and polar, with isoleucine, which is neutral and non-polar, at codon 2252 of the ATM protein (p.Thr2252Ile). This variant is not present in population databases (gnomAD no frequency). This variant has not been reported in the literature in individuals affected with ATM-related conditions. ClinVar contains an entry for this variant (Variation ID: 1707973). Invitae Evidence Modeling of protein sequence and biophysical properties (such as structural, functional, and spatial information, amino acid conservation, physicochemical variation, residue mobility, and thermodynamic stability) indicates that this missense variant is not expected to disrupt ATM protein function with a negative predictive value of 95%. In summary, the available evidence is currently insufficient to determine the role of this variant in disease. Therefore, it has been classified as a Variant of Uncertain Significance.

GeneDx
Classification: Uncertain significance. Last evaluated: 2022-03-31. Review status: criteria provided, single submitter. Criteria: GeneDx Variant Classification Process June 2021. Collection method: clinical testing. Allele origin: germline. Affected: yes.
Comment: Not observed at significant frequency in large population cohorts (gnomAD); In silico analysis supports that this missense variant does not alter protein structure/function; Has not been previously published as pathogenic or benign to our knowledge; This variant is associated with the following publications: (PMID: 23532176)

NM_000051.4(ATM):c.6755C>T (p.Thr2252Ile)

Genes: ATM (ATM serine/threonine kinase; plus strand), C11orf65 (chromosome 11 open reading frame 65; minus strand). Cytogenetic location: 11q22.3.
Variant type: single nucleotide variant.
Coding change: c.6755C>T on transcript NM_000051.4 (MANE Select); coding-DNA position 6755, C replaced by T.
Protein change: p.Thr2252Ile; replaces threonine 2252 with isoleucine.
Molecular consequence: missense variant. On other transcripts: intron variant (2).
Genome position (GRCh38, 1-based): chr11:108,325,492, C>T. VCF-style: chr11-108325492-C-T. GRCh37 (hg19) VCF-style: chr11-108196219-C-T.
Other names: c.6755C>T, p.Thr2252Ile (NM_001351834.2); c.641-16421G>A (NM_001330368.2); c.*38+9728G>A (NM_001351110.2); short protein forms T2252I.
Identifiers: ClinVar variation 1707973 (VCV001707973.4), dbSNP rs755531586, ClinGen allele CA382555300.